The following is an entry in ClinVar:

NM_007194.4(CHEK2):c.444+20G>T

Gene: CHEK2 (checkpoint kinase 2; minus strand). Cytogenetic location: 22q12.1.
Variant type: single nucleotide variant.
Coding change: c.444+20G>T on transcript NM_007194.4 (MANE Select); 20 bases into the intron after coding-DNA position 444, G replaced by T.
Molecular consequence: intron variant.
Genome position (GRCh38, 1-based): chr22:28,725,223, C>A on the plus strand (G>T on the coding strand, the complement: CHEK2 is on the minus strand). VCF-style: chr22-28725223-C-A. GRCh37 (hg19) VCF-style: chr22-29121211-C-A.
Other names: c.-220+20G>T (NM_001437942.1); c.444+20G>T (NM_001349956.3, NM_145862.3); c.-334+20G>T (NM_001257387.3); c.537+20G>T (NM_001438295.1, NM_001438293.1); c.573+20G>T (NM_001438294.1, NM_001005735.3).
Identifiers: ClinVar variation 377656 (VCV000377656.14), dbSNP rs755989738, ClinGen allele CA10168002.
Genomic context (GRCh38, chr22:28,725,223, plus strand): 5'-AGAGATTTATAGTGGGAAAATATCTAAAAACAATGACCAAATTACCAGCTCTCCTAGATA[C>A]ATGGGTATTCATTACCTACCCTGAAAATCCGAAAGTGTTTCTTGCTGTATGTTCGGTATT-3'

ClinVar aggregate classification (germline): Likely benign. Review status: criteria provided, multiple submitters, no conflicts (2 of 4 stars). 5 submissions from 5 submitters: Likely benign (5). Last evaluated 2026-01-19.

Conditions:
Hereditary cancer-predisposing syndrome. Also called: Hereditary Cancer Syndrome; Hereditary neoplastic syndrome; Tumor predisposition; Neoplastic Syndromes, Hereditary. Identifiers: Orphanet 140162, MedGen C0027672, MeSH D009386, MONDO:0015356.
Familial cancer of breast. Also called: Hereditary breast cancer; hereditary breast carcinoma; BREAST CANCER, FAMILIAL. Identifiers: Orphanet 227535, MedGen C0346153, MONDO:0016419, OMIM 114480. Disease mechanism: loss of function.

Allele frequency attached by ClinVar (database versions not stated): gnomAD exomes below 0.00001; TOPMed below 0.00001; ExAC 0.00001; gnomAD 0.00003.
gnomAD v4.1: 28 of 1,613,868 alleles (0.0017%); highest among the groups gnomAD compares: Non-Finnish European, 0.0019%; no homozygotes.

Submissions (5):

Labcorp Genetics (formerly Invitae), Labcorp
Classification: Likely benign for Familial cancer of breast. Last evaluated: 2026-01-19. Review status: criteria provided, single submitter. Criteria: Invitae Variant Classification Sherloc (09022015). Collection method: clinical testing. Allele origin: germline.

Center for Genomic Medicine, Rigshospitalet, Copenhagen University Hospital
Classification: Likely benign. Last evaluated: 2025-12-29. Review status: criteria provided, single submitter. Criteria: ACMG Guidelines, 2015. Collection method: clinical testing. Allele origin: germline.

Blueprint Genetics
Classification: Likely benign. Last evaluated: 2024-11-15. Review status: criteria provided, single submitter. Criteria: ACMG Guidelines, 2015. Collection method: clinical testing. Allele origin: germline.

Color Diagnostics, LLC DBA Color Health
Classification: Likely benign for Hereditary cancer-predisposing syndrome. Last evaluated: 2016-07-27. Review status: criteria provided, single submitter. Criteria: ACMG Guidelines, 2015. Collection method: clinical testing. Allele origin: germline.

GeneDx
Classification: Likely benign. Last evaluated: 2016-06-08. Review status: criteria provided, single submitter. Criteria: GeneDx Variant Classification (06012015). Collection method: clinical testing. Allele origin: germline. Affected: yes.
Comment: This variant is considered likely benign or benign based on one or more of the following criteria: it is a conservative change, it occurs at a poorly conserved position in the protein, it is predicted to be benign by multiple in silico algorithms, and/or has population frequency not consistent with disease.